The following is an entry in ClinVar:

ClinVar aggregate classification (germline): Uncertain significance (1 of 4 stars; one submission).

Conditions:
Dilated cardiomyopathy 1DD (CMD1DD). Identifiers: Orphanet 154, MedGen C2750995, MONDO:0013168, OMIM 613172.

Submission:

Labcorp Genetics (formerly Invitae), Labcorp
Classification: Uncertain significance for Dilated cardiomyopathy 1DD. Last evaluated: 2024-08-28. Review status: criteria provided, single submitter. Criteria: Invitae Variant Classification Sherloc (09022015). Collection method: clinical testing. Allele origin: germline.
Comment: This sequence change replaces alanine, which is neutral and non-polar, with aspartic acid, which is acidic and polar, at codon 87 of the RBM20 protein (p.Ala87Asp). This variant is not present in population databases (gnomAD no frequency). This variant has not been reported in the literature in individuals affected with RBM20-related conditions. Invitae Evidence Modeling of protein sequence and biophysical properties (such as structural, functional, and spatial information, amino acid conservation, physicochemical variation, residue mobility, and thermodynamic stability) has been performed for this missense variant. However, the output from this modeling did not meet the statistical confidence thresholds required to predict the impact of this variant on RBM20 protein function. Algorithms developed to predict the effect of sequence changes on RNA splicing suggest that this variant may create or strengthen a splice site. In summary, the available evidence is currently insufficient to determine the role of this variant in disease. Therefore, it has been classified as a Variant of Uncertain Significance.

NM_001134363.3(RBM20):c.260C>A (p.Ala87Asp)

Gene: RBM20 (RNA binding motif protein 20; plus strand). Cytogenetic location: 10q25.2.
Variant type: single nucleotide variant.
Coding change: c.260C>A on transcript NM_001134363.3 (MANE Select); coding-DNA position 260, C replaced by A.
Protein change: p.Ala87Asp; replaces alanine 87 with aspartic acid.
Molecular consequence: missense variant.
Genome position (GRCh38, 1-based): chr10:110,780,869, C>A. VCF-style: chr10-110780869-C-A. GRCh37 (hg19) VCF-style: chr10-112540627-C-A.
Other names: short protein forms A87D.
Identifiers: ClinVar variation 3615238 (VCV003615238.2).